The following is an entry in ClinVar:

NM_001009944.3(PKD1):c.7702A>G (p.Arg2568Gly)

Gene: PKD1 (polycystin 1, transient receptor potential channel interacting; minus strand). Cytogenetic location: 16p13.3.
Variant type: single nucleotide variant.
Coding change: c.7702A>G on transcript NM_001009944.3 (MANE Select); coding-DNA position 7702, A replaced by G.
Protein change: p.Arg2568Gly; replaces arginine 2568 with glycine.
Molecular consequence: missense variant.
Genome position (GRCh38, 1-based): chr16:2,106,092, T>C on the plus strand (A>G on the coding strand, the complement: PKD1 is on the minus strand). VCF-style: chr16-2106092-T-C. GRCh37 (hg19) VCF-style: chr16-2156093-T-C.
Other names: c.7702A>G, p.Arg2568Gly (NM_000296.4); c.7702A>G (NM_001009944.2); short protein forms R2568G.
Identifiers: ClinVar variation 994319 (VCV000994319.13), dbSNP rs2092327341, ClinGen allele CA394368192.

ClinVar aggregate classification (germline): Uncertain significance. Review status: criteria provided, multiple submitters, no conflicts (2 of 4 stars). 6 submissions from 6 submitters: Uncertain significance (6). Last evaluated 2026-05-05.

Conditions:
Polycystic kidney disease, adult type (PKD1). Also called: POLYCYSTIC KIDNEY DISEASE, ADULT, TYPE I; POLYCYSTIC KIDNEY DISEASE 1 WITH OR WITHOUT POLYCYSTIC LIVER DISEASE; Polycystic Kidney, Autosomal Dominant; Polycystic Kidney Disease 1, Autosomal Dominant; Polycystic kidney disease 1; Polycystic kidney disease 1, severe. Identifiers: MedGen C3149841, MONDO:0008263, OMIM 173900.

Submissions (6):

Women's Health and Genetics/Laboratory Corporation of America, LabCorp
Classification: Uncertain significance. Last evaluated: 2026-05-05. Review status: criteria provided, single submitter. Criteria: LabCorp Variant Classification Summary - May 2015. Collection method: clinical testing. Allele origin: germline.
Comment: Variant summary: PKD1 c.7702A>G (p.Arg2568Gly) results in a non-conservative amino acid change in the encoded protein sequence. Algorithms developed to predict the effect of missense changes on protein structure and function are either unavailable or do not agree on the potential impact of this missense change. Several computational tools predict a significant impact on normal splicing: Three predict the variant weakens a 5' donor site. One predicts the variant has no significant impact on splicing. However, these predictions have yet to be confirmed by functional studies. The variant was absent in 206322 control chromosomes (gnomAD). c.7702A>G has been observed in individuals affected with Polycystic Kidney Disease 1 (e.g., Arkhipov_2023, Rafiee_2026). These data do not allow any conclusion about variant significance. To our knowledge, no experimental evidence demonstrating an impact on protein function has been reported. The following publications have been ascertained in the context of this evaluation (PMID: 37024297, 39951171). ClinVar contains an entry for this variant (Variation ID: 994319). Based on the evidence outlined above, the variant was classified as uncertain significance.

GeneDx
Classification: Uncertain significance. Last evaluated: 2023-06-13. Review status: criteria provided, single submitter. Criteria: GeneDx Variant Classification Process June 2021. Collection method: clinical testing. Allele origin: germline. Affected: yes.
Comment: Not observed at significant frequency in large population cohorts (gnomAD); In silico analysis supports that this missense variant has a deleterious effect on protein structure/function; Has not been previously published as pathogenic or benign to our knowledge; This variant is associated with the following publications: (PMID: 37024297)

Fulgent Genetics
Classification: Uncertain significance for Polycystic kidney disease, adult type. Last evaluated: 2022-02-23. Review status: criteria provided, single submitter. Criteria: ACMG Guidelines, 2015. Collection method: clinical testing. Allele origin: unknown.

Blueprint Genetics
Classification: Uncertain significance. Last evaluated: 2022-02-03. Review status: criteria provided, single submitter. Criteria: ACMG Guidelines, 2015. Collection method: clinical testing. Allele origin: germline.

Athena Diagnostics
Classification: Uncertain significance. Last evaluated: 2020-11-19. Review status: criteria provided, single submitter. Criteria: Athena Diagnostics criteria. Collection method: clinical testing. Allele origin: unknown.

ARUP Laboratories, Molecular Genetics and Genomics, ARUP Laboratories
Classification: Uncertain significance for Polycystic kidney disease, adult type. Last evaluated: 2020-04-04. Review status: criteria provided, single submitter. Criteria: ARUP Molecular Germline Variant Investigation Process. Collection method: clinical testing. Allele origin: germline.
Comment: The PKD1 c.7702A>G; p.Arg2568Gly variant, to our knowledge, is not reported in the medical literature or gene specific databases. This variant is also absent from general population databases (Exome Variant Server, Genome Aggregation Database), indicating it is not a common polymorphism. The arginine at codon 2568 is weakly conserved, but computational analyses (SIFT, PolyPhen-2) predict that this variant is deleterious. Due to limited information, the clinical significance of the p.Arg2568Gly variant is uncertain at this time.

Literature cited by the submitters: PubMed 39951171 (cited by Women's Health and Genetics/Laboratory Corporation of America, LabCorp); PubMed 37024297 (cited by Women's Health and Genetics/Laboratory Corporation of America, LabCorp).